The following is an entry in ClinVar:

NM_000155.4(GALT):c.601C>A (p.Arg201Ser)

Gene: GALT (galactose-1-phosphate uridylyltransferase; plus strand). Cytogenetic location: 9p13.3.
Variant type: single nucleotide variant.
Coding change: c.601C>A on transcript NM_000155.4 (MANE Select); coding-DNA position 601, C replaced by A.
Protein change: p.Arg201Ser; replaces arginine 201 with serine.
Molecular consequence: missense variant.
Genome position (GRCh38, 1-based): chr9:34,648,370, C>A. VCF-style: chr9-34648370-C-A. GRCh37 (hg19) VCF-style: chr9-34648367-C-A.
Other names: c.274C>A, p.Arg92Ser (NM_001258332.2); short protein forms R201S, R92S.
Identifiers: ClinVar variation 4763823 (VCV004763823.2).
Genomic context (GRCh38, chr9:34,648,370, plus strand): 5'-TTCTCTGCTTTTGCCCCTTGACAGGTATGGGCCAGCAGTTTCCTGCCAGATATTGCCCAG[C>A]GTGAGGAGCGATCTCAGCAGGCCTATAAGAGTCAGCATGGAGAGCCCCTGCTAATGGAGT-3'
Protein context (NP_000146.2, residues 191-211): ASSFLPDIAQ[Arg201Ser]EERSQQAYKS

ClinVar aggregate classification (germline): Conflicting classifications of pathogenicity. Review status: criteria provided, conflicting classifications (1 of 4 stars). 2 submissions from 2 submitters: Pathogenic (1); VUS-high (1). Last evaluated 2026-03-09.

Conditions:
Deficiency of UDPglucose-hexose-1-phosphate uridylyltransferase. Also called: GALACTOSE-1-PHOSPHATE URIDYLYLTRANSFERASE DEFICIENCY; GALT deficiency; Galactosemia, classic; Transferase Deficiency Galactosemia; GALACTOSEMIA I. Identifiers: Orphanet 352, Orphanet 79239, MedGen C0268151, MONDO:0009258, OMIM 230400.

Submissions (2):

Centro de Investigaciones en Bioquimica Clinica e Inmunologia, Consejo Nacional de Investigaciones Científicas y Técnicas
Classification: VUS-high for Deficiency of UDPglucose-hexose-1-phosphate uridylyltransferase. Last evaluated: 2026-03-09. Review status: criteria provided, single submitter. Criteria: ACMG Guidelines, 2015. Collection method: research. Allele origin: germline. Inheritance: Autosomal recessive inheritance. Affected: yes. Observed: 1 variant allele.
Comment: The variant is absent from the gnomAD population database (PM2_Supporting). Computational evidence supports a deleterious effect on the gene product based on the meta-predictor REVEL (PP3). The variant results in a novel missense change at an amino acid residue where a different pathogenic missense variant has previously been reported (PM5). Additionally, the patient’s phenotype is highly specific and consistent with the disease associated with this gene (PP4). However, the currently available evidence is insufficient to support a pathogenic or benign classification. Therefore, this variant is classified as a Variant of Uncertain Significance (VUS).

Labcorp Genetics (formerly Invitae), Labcorp
Classification: Pathogenic for Deficiency of UDPglucose-hexose-1-phosphate uridylyltransferase. Last evaluated: 2025-07-24. Review status: criteria provided, single submitter. Criteria: Invitae Variant Classification Sherloc (09022015). Collection method: clinical testing. Allele origin: germline.
Comment: This sequence change replaces arginine, which is basic and polar, with serine, which is neutral and polar, at codon 201 of the GALT protein (p.Arg201Ser). This variant is not present in population databases (gnomAD no frequency). This missense change has been observed in individual(s) with galactosemia (PMID: 33335841). In at least one individual the data is consistent with being in trans (on the opposite chromosome) from a pathogenic variant. Invitae Evidence Modeling of protein sequence and biophysical properties (such as structural, functional, and spatial information, amino acid conservation, physicochemical variation, residue mobility, and thermodynamic stability) indicates that this missense variant is expected to disrupt GALT protein function with a positive predictive value of 95%. This variant disrupts the p.Arg201 amino acid residue in GALT. Other variant(s) that disrupt this residue have been determined to be pathogenic (PMID: 17876724, 22461411, 28644047; internal data). This suggests that this residue is clinically significant, and that variants that disrupt this residue are likely to be disease-causing. For these reasons, this variant has been classified as Pathogenic.

Literature cited by the submitters: PubMed 33335841 (cited by Labcorp Genetics (formerly Invitae), Labcorp); PubMed 17876724 (cited by Labcorp Genetics (formerly Invitae), Labcorp); PubMed 22461411 (cited by Labcorp Genetics (formerly Invitae), Labcorp); PubMed 28644047 (cited by Labcorp Genetics (formerly Invitae), Labcorp).